The following is an entry in ClinVar:

ClinVar aggregate classification (germline): Uncertain significance. Review status: criteria provided, multiple submitters, no conflicts (2 of 4 stars). 2 submissions from 2 submitters: Uncertain significance (2). Last evaluated 2025-11-20.

Conditions:
Inborn genetic diseases. Identifiers: MedGen C0950123, MeSH D030342.

Submissions (2):

Ambry Genetics
Classification: Uncertain significance for Inborn genetic diseases. Last evaluated: 2025-11-20. Review status: criteria provided, single submitter. Criteria: Ambry Variant Classification Scheme 2023. Collection method: clinical testing. Allele origin: germline.

Labcorp Genetics (formerly Invitae), Labcorp
Classification: Uncertain significance. Last evaluated: 2023-12-12. Review status: criteria provided, single submitter. Criteria: Invitae Variant Classification Sherloc (09022015). Collection method: clinical testing. Allele origin: germline.
Comment: This sequence change replaces glycine, which is neutral and non-polar, with arginine, which is basic and polar, at codon 507 of the MBD4 protein (p.Gly507Arg). This variant is not present in population databases (gnomAD no frequency). This variant has not been reported in the literature in individuals affected with MBD4-related conditions. An algorithm developed to predict the effect of missense changes on protein structure and function (PolyPhen-2) suggests that this variant is likely to be disruptive. In summary, the available evidence is currently insufficient to determine the role of this variant in disease. Therefore, it has been classified as a Variant of Uncertain Significance.

NM_001276270.2(MBD4):c.1501G>C (p.Gly501Arg)

Gene: MBD4 (methyl-CpG binding domain 4, DNA glycosylase; minus strand). Cytogenetic location: 3q21.3.
Variant type: single nucleotide variant.
Coding change: c.1501G>C on transcript NM_001276270.2 (MANE Select); coding-DNA position 1501, G replaced by C.
Protein change: p.Gly501Arg; replaces glycine 501 with arginine.
Molecular consequence: missense variant.
Genome position (GRCh38, 1-based): chr3:129,433,140, C>G on the plus strand (G>C on the coding strand, the complement: MBD4 is on the minus strand). VCF-style: chr3-129433140-C-G. GRCh37 (hg19) VCF-style: chr3-129151983-C-G.
Other names: c.1519G>C, p.Gly507Arg (NM_001276271.2, NM_001276272.2, NM_003925.3); c.565G>C, p.Gly189Arg (NM_001276273.2); short protein forms G501R, G507R, G189R.
Identifiers: ClinVar variation 2702401 (VCV002702401.4), dbSNP rs2530700488, ClinGen allele CA354465172.